The following is an entry in ClinVar:

ClinVar aggregate classification (germline): Uncertain significance. Review status: criteria provided, multiple submitters, no conflicts (2 of 4 stars). 2 submissions from 2 submitters: Uncertain significance (2). Last evaluated 2026-02-27.

Submissions (2):

GeneDx
Classification: Uncertain significance. Last evaluated: 2026-02-27. Review status: criteria provided, single submitter. Criteria: GeneDx Variant Classification Process June 2021. Collection method: clinical testing. Allele origin: germline.
Comment: Not observed at significant frequency in large population cohorts (gnomAD); Frameshift variant predicted to result in abnormal protein length as the last 26 amino acid(s) are replaced with 43 different amino acid(s); Has not been previously published as pathogenic or benign to our knowledge

Labcorp Genetics (formerly Invitae), Labcorp
Classification: Uncertain significance. Last evaluated: 2022-07-25. Review status: criteria provided, single submitter. Criteria: Invitae Variant Classification Sherloc (09022015). Collection method: clinical testing. Allele origin: germline.
Comment: In summary, the available evidence is currently insufficient to determine the role of this variant in disease. Therefore, it has been classified as a Variant of Uncertain Significance. Algorithms developed to predict the effect of sequence changes on RNA splicing suggest that this variant may create or strengthen a splice site. ClinVar contains an entry for this variant (Variation ID: 1447503). This variant has not been reported in the literature in individuals affected with PDZD7-related conditions. This variant is present in population databases (no rsID available, gnomAD 0.006%). This sequence change results in a frameshift in the PDZD7 gene (p.Gln1008Profs*44). While this is not anticipated to result in nonsense mediated decay, it is expected to disrupt the last 26 amino acid(s) of the PDZD7 protein and extend the protein by 17 additional amino acid residues.

NM_001195263.2(PDZD7):c.3014_3015insACTCCTCCCTCTGATGCCAG (p.Gln1008fs)

Gene: PDZD7 (PDZ domain containing 7; minus strand). Cytogenetic location: 10q24.31.
Variant type: Insertion.
Coding change: c.3014_3015insACTCCTCCCTCTGATGCCAG on transcript NM_001195263.2 (MANE Select); coding-DNA positions 3014 to 3015, ACTCCTCCCTCTGATGCCAG inserted.
Protein change: p.Gln1008fs; shifts the reading frame from glutamine 1008.
Molecular consequence: frameshift variant.
Genome position: GRCh38 VCF-style: chr10-101008554-C-CCTGGCATCAGAGGGAGGAGT. GRCh37 (hg19) VCF-style: chr10-102768311-C-CCTGGCATCAGAGGGAGGAGT.
Other names: c.3014_3015insACTCCTCCCTCTGATGCCAG (NM_001195263.1); short protein forms Q1008fs.
Identifiers: ClinVar variation 1447503 (VCV001447503.5), dbSNP rs1564821241, ClinGen allele CA595493743.